The following is an entry in ClinVar:

NM_014844.5(TECPR2):c.669A>C (p.Pro223=)

Gene: TECPR2 (tectonin beta-propeller repeat containing 2; plus strand). Cytogenetic location: 14q32.31.
Variant type: single nucleotide variant.
Coding change: c.669A>C on transcript NM_014844.5 (MANE Select); coding-DNA position 669, A replaced by C.
Protein change: p.Pro223=; no amino-acid change (proline 223 retained).
Molecular consequence: synonymous variant.
Genome position (GRCh38, 1-based): chr14:102,425,009, A>C. VCF-style: chr14-102425009-A-C. GRCh37 (hg19) VCF-style: chr14-102891346-A-C.
Other names: c.669A>C, p.Pro223= (NM_001172631.3); c.669A>C (NM_014844.4).
Identifiers: ClinVar variation 989660 (VCV000989660.12), dbSNP rs750443286, ClinGen allele CA7357504.
Genomic context (GRCh38, chr14:102,425,009, plus strand): 5'-TTGTTCTTTCTTTCTTTCTTCTAATTTTAGTACTGGGAAATTTGGTGCTTGTTTTATACC[A>C]GGACTCTGTAAGCAAAGTGATCTAACCTTGTATGCGTCACGGCCCGGGCTCCGGCTATGG-3'
Protein context (NP_055659.2, residues 213-233): STGKFGACFI[Pro223=]GLCKQSDLTL

ClinVar aggregate classification (germline): Likely benign. Review status: criteria provided, single submitter (1 of 4 stars). 3 submissions from 3 submitters: Likely benign (1). 2 of the submissions do not count toward it. Last evaluated 2024-02-01.

Conditions:
TECPR2-related disorder. Also called: TECPR2-related condition.
Hereditary spastic paraplegia 49 (HSAN9). Also called: Spastic paraplegia 49, autosomal recessive; NEUROPATHY, HEREDITARY SENSORY AND AUTONOMIC, TYPE IX, WITH DEVELOPMENTAL DELAY; TECPR2-Related Hereditary Sensory and Autonomic Neuropathy with Intellectual Disability. Identifiers: Orphanet 320385, MedGen C5190860, MONDO:0014016, OMIM 615031.

Allele frequency attached by ClinVar (database versions not stated): gnomAD exomes 0.00001 and 0.00003; ExAC 0.00002; gnomAD 0.00003 and 0.00004; TOPMed 0.00003.
gnomAD v4.1: 43 of 1,613,580 alleles (0.0027%); highest among the groups gnomAD compares: Non-Finnish European, 0.0036%; no homozygotes.

Submissions (3):

Labcorp Genetics (formerly Invitae), Labcorp
Classification: Likely benign for Hereditary spastic paraplegia 49. Last evaluated: 2024-02-01. Review status: criteria provided, single submitter. Criteria: Invitae Variant Classification Sherloc (09022015). Collection method: clinical testing. Allele origin: germline.

Natera, Inc.
Classification: Uncertain significance for Autosomal recessive spastic paraplegia type 49. Last evaluated: 2020-04-16. Review status: no assertion criteria provided. Collection method: clinical testing. Allele origin: germline. Not counted in ClinVar's aggregate classification.

PreventionGenetics, part of Exact Sciences
Classification: Likely benign for TECPR2-related condition. Last evaluated: 2019-03-27. Review status: no assertion criteria provided. Collection method: clinical testing. Allele origin: germline. Not counted in ClinVar's aggregate classification.
Comment: This variant is classified as likely benign based on ACMG/AMP sequence variant interpretation guidelines (Richards et al. 2015 PMID: 25741868, with internal and published modifications).